The following is an entry in ClinVar:

ClinVar aggregate classification (germline): Likely benign (1 of 4 stars; one submission).

Allele frequency attached by ClinVar (database versions not stated): ESP Exome Variant Server 0.00038; TOPMed 0.00041; gnomAD 0.00048; 1000 Genomes Project 30x 0.00141; 1000 Genomes Project 0.00160; ExAC 0.00175.
gnomAD v4.1: 1,200 of 1,614,230 alleles (0.074%); highest among the groups gnomAD compares: South Asian, 0.9%; 20 homozygotes.

Submission:

CeGaT Center for Human Genetics Tuebingen
Classification: Likely benign. Last evaluated: 2022-12-01. Review status: criteria provided, single submitter. Criteria: CeGaT Center For Human Genetics Tuebingen Variant Classification Criteria Version 2. Collection method: clinical testing. Allele origin: germline. Affected: yes. Observed: 1 variant allele.
Comment: CARD19: BP4, BP7

NM_032310.5(CARD19):c.144G>A (p.Ala48=)

Gene: CARD19 (caspase recruitment domain family member 19; plus strand). Cytogenetic location: 9q22.31.
Variant type: single nucleotide variant.
Coding change: c.144G>A on transcript NM_032310.5 (MANE Select); coding-DNA position 144, G replaced by A.
Protein change: p.Ala48=; no amino-acid change (alanine 48 retained).
Molecular consequence: synonymous variant. On other transcripts: non-coding transcript variant (8).
Genome position (GRCh38, 1-based): chr9:93,107,810, G>A. VCF-style: chr9-93107810-G-A. GRCh37 (hg19) VCF-style: chr9-95870092-G-A.
Other names: c.144G>A, p.Ala48= (NM_001318010.2, NM_001318011.2).
Identifiers: ClinVar variation 2659308 (VCV002659308.24), dbSNP rs146233245, ClinGen allele CA5128662.